The following is an entry in ClinVar:

ClinVar aggregate classification (germline): Likely benign. Review status: criteria provided, multiple submitters, no conflicts (2 of 4 stars). 2 submissions from 2 submitters: Likely benign (2). Last evaluated 2025-08-14.

Allele frequency attached by ClinVar (database versions not stated): gnomAD exomes below 0.00001; gnomAD 0.00001.
gnomAD v4.1: 5 of 1,614,040 alleles (0.00031%); highest among the groups gnomAD compares: Middle Eastern, 0.016%; no homozygotes.

Submissions (2):

Labcorp Genetics (formerly Invitae), Labcorp
Classification: Likely benign. Last evaluated: 2025-08-14. Review status: criteria provided, single submitter. Criteria: Invitae Variant Classification Sherloc (09022015). Collection method: clinical testing. Allele origin: germline.

CeGaT Center for Human Genetics Tuebingen
Classification: Likely benign. Last evaluated: 2023-05-01. Review status: criteria provided, single submitter. Criteria: CeGaT Center For Human Genetics Tuebingen Variant Classification Criteria Version 2. Collection method: clinical testing. Allele origin: germline. Affected: yes. Observed: 1 variant allele.
Comment: ASPM: BP4, BP7

NM_018136.5(ASPM):c.186G>C (p.Thr62=)

Genes: ASPM (assembly factor for spindle microtubules; minus strand), LOC129932155 (ATAC-STARR-seq lymphoblastoid silent region 1659; plus strand). Cytogenetic location: 1q31.3.
Variant type: single nucleotide variant.
Coding change: c.186G>C on transcript NM_018136.5 (MANE Select); coding-DNA position 186, G replaced by C.
Protein change: p.Thr62=; no amino-acid change (threonine 62 retained).
Molecular consequence: synonymous variant.
Genome position (GRCh38, 1-based): chr1:197,146,252, C>G on the plus strand (G>C on the coding strand, the complement: ASPM is on the minus strand). VCF-style: chr1-197146252-C-G. GRCh37 (hg19) VCF-style: chr1-197115382-C-G.
Other names: c.186G>C, p.Thr62= (NM_001206846.2).
Identifiers: ClinVar variation 2639708 (VCV002639708.26), dbSNP rs922100903, ClinGen allele CA35863264.